The following is an entry in ClinVar:

NM_001723.7(DST):c.5615C>T (p.Thr1872Ile)

Gene: DST (dystonin; minus strand). Cytogenetic location: 6p12.1.
Variant type: single nucleotide variant.
Coding change: c.5615C>T on transcript NM_001723.7 (MANE Plus Clinical); coding-DNA position 5615, C replaced by T.
Protein change: p.Thr1872Ile; replaces threonine 1872 with isoleucine.
Molecular consequence: missense variant. On other transcripts: intron variant (10).
Genome position (GRCh38, 1-based): chr6:56,618,419, G>A on the plus strand (C>T on the coding strand, the complement: DST is on the minus strand). VCF-style: chr6-56618419-G-A. GRCh37 (hg19) VCF-style: chr6-56483217-G-A.
Other names: c.4831-3935C>T (NM_001144769.5); c.4930-3935C>T (NM_001374722.1, NM_001374736.1); c.4957-3935C>T (NM_001374734.1); c.4417-3935C>T (NM_001144770.2); c.4297-3935C>T (NM_001374730.1, NM_001386100.1, NM_183380.4 and 1 more transcripts); c.3319-3935C>T (NM_015548.5); short protein forms T1872I.
Identifiers: ClinVar variation 1371996 (VCV001371996.3), dbSNP rs894649119, ClinGen allele CA139208890.
Genomic context (GRCh38, chr6:56,618,419, plus strand): 5'-GAGTGCTGGCACTCCTTCACTGTCATCTCAAAATCTGGTTTGAAGGTACAGTCTTTGGCT[G>A]TGCTCTTTTTTTGAATTTCACACTGGAGCAAAACTAATTGATGTTCATGCTCTTTGATCT-3'
Protein context (NP_001714.1, residues 1862-1882): LLQCEIQKKS[Thr1872Ile]AKDCTFKPDF

ClinVar aggregate classification (germline): Uncertain significance (1 of 4 stars; one submission).

Conditions:
Epidermolysis bullosa simplex 3, localized or generalized intermediate, with BP230 deficiency (EBS3). Also called: Epidermolysis bullosa simplex due to BP230 deficiency; Epidermolysis bullosa simplex, autosomal recessive 2. Identifiers: Orphanet 412181, MedGen C3809470, MONDO:0014180, OMIM 615425.
Hereditary sensory and autonomic neuropathy type 6. Also called: HSAN VI; Neuropathy, hereditary sensory and autonomic, type VI. Identifiers: Orphanet 314381, MedGen C3539003, MONDO:0013839, OMIM 614653.

Allele frequency attached by ClinVar (database versions not stated): gnomAD exomes below 0.00001; TOPMed below 0.00001.
gnomAD v4.1: 2 of 1,614,168 alleles (0.00012%); highest among the groups gnomAD compares: Non-Finnish European, 0.00017%; no homozygotes.

Submission:

Labcorp Genetics (formerly Invitae), Labcorp
Classification: Uncertain significance for Epidermolysis bullosa simplex 3, localized or generalized intermediate, with BP230 deficiency; Hereditary sensory and autonomic neuropathy type 6. Last evaluated: 2022-06-22. Review status: criteria provided, single submitter. Criteria: Invitae Variant Classification Sherloc (09022015). Collection method: clinical testing. Allele origin: germline.
Comment: This sequence change replaces threonine, which is neutral and polar, with isoleucine, which is neutral and non-polar, at codon 1872 of the DST protein (p.Thr1872Ile). This variant is present in population databases (no rsID available, gnomAD 0.0009%). This variant has not been reported in the literature in individuals affected with DST-related conditions. Algorithms developed to predict the effect of missense changes on protein structure and function are either unavailable or do not agree on the potential impact of this missense change (SIFT: "Deleterious"; PolyPhen-2: "Benign"; Align-GVGD: "Class C0"). In summary, the available evidence is currently insufficient to determine the role of this variant in disease. Therefore, it has been classified as a Variant of Uncertain Significance.